The following is an entry in ClinVar:

ClinVar aggregate classification (germline): Pathogenic (1 of 4 stars; one submission).

Conditions:
Gorlin syndrome. Also called: Basal cell nevus syndrome; Nevoid Basal Cell Carcinoma Syndrome. Identifiers: Orphanet 377, MedGen C0004779, MONDO:0007187.

Submission:

Labcorp Genetics (formerly Invitae), Labcorp
Classification: Pathogenic for Gorlin syndrome. Last evaluated: 2023-07-07. Review status: criteria provided, single submitter. Criteria: Invitae Variant Classification Sherloc (09022015). Collection method: clinical testing. Allele origin: germline.
Comment: For these reasons, this variant has been classified as Pathogenic. This variant has not been reported in the literature in individuals affected with PTCH1-related conditions. This variant is not present in population databases (gnomAD no frequency). This sequence change creates a premature translational stop signal (p.Gly1054fs) in the PTCH1 gene. It is expected to result in an absent or disrupted protein product. Loss-of-function variants in PTCH1 are known to be pathogenic (PMID: 16301862, 16419085).

Literature cited by the submitters: PubMed 16301862; PubMed 16419085.

NM_000264.5(PTCH1):c.3160_3161insCGCTGTCTTCCTGCTGAACCCCTGGACGGCCG (p.Gly1054delinsAlaLeuSerSerCysTer)

Gene: PTCH1 (patched 1; minus strand). Cytogenetic location: 9q22.32.
Variant type: Insertion.
Coding change: c.3160_3161insCGCTGTCTTCCTGCTGAACCCCTGGACGGCCG on transcript NM_000264.5 (MANE Select); coding-DNA positions 3160 to 3161, CGCTGTCTTCCTGCTGAACCCCTGGACGGCCG inserted.
Protein change: p.Gly1054delinsAlaLeuSerSerCysTer.
Molecular consequence: nonsense. On other transcripts: non-coding transcript variant (1).
Genome position: GRCh38: chr9:95,458,039-95,458,040. GRCh37 (hg19): chr9:98,220,321-98,220,322.
Other names: c.2962_2963insCGCTGTCTTCCTGCTGAACCCCTGGACGGCCG, p.Gly988delinsAlaLeuSerSerCysTer (NM_001083602.3); c.3157_3158insCGCTGTCTTCCTGCTGAACCCCTGGACGGCCG, p.Gly1053delinsAlaLeuSerSerCysTer (NM_001083603.3); c.2707_2708insCGCTGTCTTCCTGCTGAACCCCTGGACGGCCG, p.Gly903delinsAlaLeuSerSerCysTer (NM_001083604.3, NM_001083605.3, NM_001083606.3 and 1 more transcripts); c.3004_3005insCGCTGTCTTCCTGCTGAACCCCTGGACGGCCG, p.Gly1002delinsAlaLeuSerSerCysTer (NM_001354918.2).
Identifiers: ClinVar variation 2736838 (VCV002736838.3), dbSNP rs2538066708, ClinGen allele CA2697557889.